The following is an entry in ClinVar:

ClinVar aggregate classification (germline): Uncertain significance (1 of 4 stars; one submission).

Submission:

Labcorp Genetics (formerly Invitae), Labcorp
Classification: Uncertain significance. Last evaluated: 2026-01-08. Review status: criteria provided, single submitter. Criteria: Invitae Variant Classification Sherloc (09022015). Collection method: clinical testing. Allele origin: germline.
Comment: This sequence change replaces cysteine, which is neutral and slightly polar, with glycine, which is neutral and non-polar, at codon 444 of the DNAJC21 protein (p.Cys444Gly). This variant is not present in population databases (gnomAD no frequency). This variant has not been reported in the literature in individuals affected with DNAJC21-related conditions. An algorithm developed to predict the effect of missense changes on protein structure and function (PolyPhen-2) suggests that this variant is likely to be tolerated. In summary, the available evidence is currently insufficient to determine the role of this variant in disease. Therefore, it has been classified as a Variant of Uncertain Significance.

NM_001012339.3(DNAJC21):c.1330T>G (p.Cys444Gly)

Gene: DNAJC21 (DnaJ heat shock protein family (Hsp40) member C21; plus strand). Cytogenetic location: 5p13.2.
Variant type: single nucleotide variant.
Coding change: c.1330T>G on transcript NM_001012339.3 (MANE Select); coding-DNA position 1330, T replaced by G.
Protein change: p.Cys444Gly; replaces cysteine 444 with glycine.
Molecular consequence: missense variant.
Genome position (GRCh38, 1-based): chr5:34,950,314, T>G. VCF-style: chr5-34950314-T-G. GRCh37 (hg19) VCF-style: chr5-34950419-T-G.
Other names: c.1369T>G, p.Cys457Gly (NM_001348420.2); c.1465T>G, p.Cys489Gly (NM_194283.4); short protein forms C457G, C489G, C444G.
Identifiers: ClinVar variation 4763034 (VCV004763034.1).